The following is an entry in ClinVar:

NM_000540.3(RYR1):c.7678C>G (p.Pro2560Ala)

Gene: RYR1 (ryanodine receptor 1; plus strand). Cytogenetic location: 19q13.2.
Variant type: single nucleotide variant.
Coding change: c.7678C>G on transcript NM_000540.3 (MANE Select); coding-DNA position 7678, C replaced by G.
Protein change: p.Pro2560Ala; replaces proline 2560 with alanine.
Molecular consequence: missense variant.
Genome position (GRCh38, 1-based): chr19:38,502,570, C>G. VCF-style: chr19-38502570-C-G. GRCh37 (hg19) VCF-style: chr19-38993210-C-G.
Other names: NM_001042723.2:c.7678C>G; c.7678C>G, p.Pro2560Ala (NM_001042723.2); short protein forms P2560A.
Identifiers: ClinVar variation 4536610 (VCV004536610.1).

ClinVar aggregate classification (germline): Uncertain significance (3 of 4 stars; one submission).

Conditions:
RYR1-related myopathy. Identifiers: Orphanet 98742, MedGen CN305348, MONDO:0100150.

Submission:

ClinGen Congenital Myopathies Variant Curation Expert Panel, ClinGen
Classification: Uncertain significance for RYR1-related myopathy. Last evaluated: 2025-10-22. Review status: reviewed by expert panel. Criteria: ClinGen CongenMyopathy ACMG Specifications RYR1 AR V2.0.0. Collection method: curation. Allele origin: germline. Inheritance: Autosomal recessive inheritance.
Comment: The NM_000540.3:c.7678C>G (p.Pro2560Ala) variant in RYR1 is a missense variant predicted to cause substitution of proline by alanine at amino acid 2560. This variant is absent from gnomAD v4.1.0 (PM2_supporting). The computational predictor REVEL gives a score of 0.691, which is neither above nor below the thresholds predicting a damaging or benign impact on RYR1 function (no codes met). This variant has been detected in at least 1 homozygous individual with muscle weakness, type 1 fiber atrophy, several internal nuclei, motor issues, and positive in-vitro contracture tests, features compatible with RYR1-related myopathy. This variant segregated with disease in 1 additional family member. (PM3_supporting (0.5 pts.); PP1; VCEP internal contributor). In summary, this variant meets the criteria to be classified as a variant of uncertain significance for autosomal recessive RYR1-related myopathy based on the ACMG/AMP criteria applied, as specified by the ClinGen Congenital Myopathies VCEP: PM2_supporting, PM3_supporting, PP1. (ClinGen Congenital Myopathies VCEP specifications version 2; 10/22/2025).